The following is an entry in ClinVar:

NM_005585.5(SMAD6):c.696G>C (p.Trp232Cys)

Gene: SMAD6 (SMAD family member 6; plus strand). Cytogenetic location: 15q22.31.
Variant type: single nucleotide variant.
Coding change: c.696G>C on transcript NM_005585.5 (MANE Select); coding-DNA position 696, G replaced by C.
Protein change: p.Trp232Cys; replaces tryptophan 232 with cysteine.
Molecular consequence: missense variant. On other transcripts: non-coding transcript variant (1).
Genome position (GRCh38, 1-based): chr15:66,703,954, G>C. VCF-style: chr15-66703954-G-C. GRCh37 (hg19) VCF-style: chr15-66996292-G-C.
Other names: short protein forms W232C.
Identifiers: ClinVar variation 3660689 (VCV003660689.2).

ClinVar aggregate classification (germline): Uncertain significance (1 of 4 stars; one submission).

Conditions:
Aortic valve disease 2 (AOVD2). Identifiers: MedGen C3542024, MONDO:0013902, OMIM 614823.

gnomAD v4.1: 2 of 1,426,400 alleles (0.00014%); highest among the groups gnomAD compares: Non-Finnish European, 0.000092%; no homozygotes.

Submission:

Labcorp Genetics (formerly Invitae), Labcorp
Classification: Uncertain significance for Aortic valve disease 2. Last evaluated: 2024-07-27. Review status: criteria provided, single submitter. Criteria: Invitae Variant Classification Sherloc (09022015). Collection method: clinical testing. Allele origin: germline.
Comment: This sequence change replaces tryptophan, which is neutral and slightly polar, with cysteine, which is neutral and slightly polar, at codon 232 of the SMAD6 protein (p.Trp232Cys). This variant is not present in population databases (gnomAD no frequency). This variant has not been reported in the literature in individuals affected with SMAD6-related conditions. Advanced modeling of protein sequence and biophysical properties (such as structural, functional, and spatial information, amino acid conservation, physicochemical variation, residue mobility, and thermodynamic stability) has been performed at Invitae for this missense variant, however the output from this modeling did not meet the statistical confidence thresholds required to predict the impact of this variant on SMAD6 protein function. In summary, the available evidence is currently insufficient to determine the role of this variant in disease. Therefore, it has been classified as a Variant of Uncertain Significance.